The following is an entry in ClinVar:

NM_182961.4(SYNE1):c.592A>G (p.Ile198Val)

Gene: SYNE1 (spectrin repeat containing nuclear envelope protein 1; minus strand). Cytogenetic location: 6q25.2.
Variant type: single nucleotide variant.
Coding change: c.592A>G on transcript NM_182961.4 (MANE Select); coding-DNA position 592, A replaced by G.
Protein change: p.Ile198Val; replaces isoleucine 198 with valine.
Molecular consequence: missense variant.
Genome position (GRCh38, 1-based): chr6:152,505,387, T>C on the plus strand (A>G on the coding strand, the complement: SYNE1 is on the minus strand). VCF-style: chr6-152505387-T-C. GRCh37 (hg19) VCF-style: chr6-152826522-T-C.
Other names: c.613A>G, p.Ile205Val (NM_033071.5); short protein forms I198V, I205V.
Identifiers: ClinVar variation 577220 (VCV000577220.6), dbSNP rs746384499, ClinGen allele CA4059671.

ClinVar aggregate classification (germline): Uncertain significance (1 of 4 stars; one submission).

Conditions:
Emery-Dreifuss muscular dystrophy 4, autosomal dominant (EDMD4). Also called: EMERY-DREIFUSS MUSCULAR DYSTROPHY 4 WITH VARIABLE FEATURES. Identifiers: Orphanet 261, MedGen C2751807, MONDO:0013071, OMIM 612998.
Autosomal recessive ataxia, Beauce type. Also called: SYNE1-Related Autosomal Recessive Cerebellar Ataxia; Spinocerebellar ataxia, autosomal recessive 8; ATAXIA, RECESSIVE, OF BEAUCE; SYNE1 Deficiency. Identifiers: Orphanet 88644, MedGen C1853116, MONDO:0012549, OMIM 610743.

Allele frequency attached by ClinVar (database versions not stated): TOPMed below 0.00001; ExAC 0.00001; gnomAD exomes 0.00001.
gnomAD v4.1: 4 of 1,613,962 alleles (0.00025%); highest among the groups gnomAD compares: Admixed American, 0.0067%; no homozygotes.

Submission:

Labcorp Genetics (formerly Invitae), Labcorp
Classification: Uncertain significance for Emery-Dreifuss muscular dystrophy 4, autosomal dominant; Autosomal recessive ataxia, Beauce type. Last evaluated: 2022-07-19. Review status: criteria provided, single submitter. Criteria: Invitae Variant Classification Sherloc (09022015). Collection method: clinical testing. Allele origin: germline.
Comment: This sequence change replaces isoleucine, which is neutral and non-polar, with valine, which is neutral and non-polar, at codon 205 of the SYNE1 protein (p.Ile205Val). This variant is present in population databases (rs746384499, gnomAD 0.009%). This variant has not been reported in the literature in individuals affected with SYNE1-related conditions. ClinVar contains an entry for this variant (Variation ID: 577220). Algorithms developed to predict the effect of missense changes on protein structure and function (SIFT, PolyPhen-2, Align-GVGD) all suggest that this variant is likely to be tolerated. In summary, the available evidence is currently insufficient to determine the role of this variant in disease. Therefore, it has been classified as a Variant of Uncertain Significance.